The following is an entry in ClinVar:

NM_001080453.3(INTS1):c.3699C>G (p.Asp1233Glu)

Gene: INTS1 (integrator complex subunit 1; minus strand). Cytogenetic location: 7p22.3.
Variant type: single nucleotide variant.
Coding change: c.3699C>G on transcript NM_001080453.3 (MANE Select); coding-DNA position 3699, C replaced by G.
Protein change: p.Asp1233Glu; replaces aspartic acid 1233 with glutamic acid.
Molecular consequence: missense variant.
Genome position (GRCh38, 1-based): chr7:1,482,550, G>C on the plus strand (C>G on the coding strand, the complement: INTS1 is on the minus strand). VCF-style: chr7-1482550-G-C. GRCh37 (hg19) VCF-style: chr7-1522186-G-C.
Other names: short protein forms D1233E.
Identifiers: ClinVar variation 3365505 (VCV003365505.1).

ClinVar aggregate classification (germline): Uncertain significance (1 of 4 stars; one submission).

gnomAD v4.1: 347 of 1,607,068 alleles (0.022%); highest among the groups gnomAD compares: Non-Finnish European, 0.011%; no homozygotes.

Submission:

GeneDx
Classification: Uncertain significance. Last evaluated: 2023-12-14. Review status: criteria provided, single submitter. Criteria: GeneDx Variant Classification Process June 2021. Collection method: clinical testing. Allele origin: germline. Affected: yes.
Comment: In silico analysis supports that this missense variant has a deleterious effect on protein structure/function; Has not been previously published as pathogenic or benign to our knowledge